The following is an entry in ClinVar:

ClinVar aggregate classification (germline): Conflicting classifications of pathogenicity. Review status: criteria provided, conflicting classifications (1 of 4 stars). 3 submissions from 3 submitters: Uncertain significance (1); Likely benign (1). 1 of the submissions does not count toward it. Last evaluated 2026-01-06.

Conditions:
FREM2-related disorder. Also called: FREM2-related condition.
Fraser syndrome 2 (FRASRS2). Identifiers: MedGen C4540036, MONDO:0054738, OMIM 617666.

Allele frequency attached by ClinVar (database versions not stated): gnomAD exomes 0.00009; ExAC 0.00010; TOPMed 0.00010; gnomAD 0.00012 and 0.00013.
gnomAD v4.1: 157 of 1,614,072 alleles (0.0097%); highest among the groups gnomAD compares: Non-Finnish European, 0.012%; no homozygotes.

Submissions (3):

Labcorp Genetics (formerly Invitae), Labcorp
Classification: Likely benign. Last evaluated: 2026-01-06. Review status: criteria provided, single submitter. Criteria: Invitae Variant Classification Sherloc (09022015). Collection method: clinical testing. Allele origin: germline.

Illumina Laboratory Services, Illumina
Classification: Uncertain significance for Fraser syndrome 2. Last evaluated: 2018-01-13. Review status: criteria provided, single submitter. Criteria: ICSL Variant Classification Criteria 13 December 2019. Collection method: clinical testing. Allele origin: germline.

PreventionGenetics, part of Exact Sciences
Classification: Likely benign for FREM2-related condition. Last evaluated: 2019-05-09. Review status: no assertion criteria provided. Collection method: clinical testing. Allele origin: germline. Not counted in ClinVar's aggregate classification.
Comment: This variant is classified as likely benign based on ACMG/AMP sequence variant interpretation guidelines (Richards et al. 2015 PMID: 25741868, with internal and published modifications).

NM_207361.6(FREM2):c.7332C>T (p.Asp2444=)

Gene: FREM2 (FRAS1 related extracellular matrix 2; plus strand). Cytogenetic location: 13q13.3.
Variant type: single nucleotide variant.
Coding change: c.7332C>T on transcript NM_207361.6 (MANE Select); coding-DNA position 7332, C replaced by T.
Protein change: p.Asp2444=; no amino-acid change (aspartic acid 2444 retained).
Molecular consequence: synonymous variant.
Genome position (GRCh38, 1-based): chr13:38,859,403, C>T. VCF-style: chr13-38859403-C-T. GRCh37 (hg19) VCF-style: chr13-39433540-C-T.
Other names: c.7332C>T (NM_207361.5).
Identifiers: ClinVar variation 881618 (VCV000881618.10), dbSNP rs773197293, ClinGen allele CA6955830.